The following is an entry in ClinVar:

ClinVar aggregate classification (germline): Conflicting classifications of pathogenicity. Review status: criteria provided, conflicting classifications (1 of 4 stars). 5 submissions from 5 submitters: Uncertain significance (1); Likely benign (4). Last evaluated 2025-11-18.

Conditions:
Familial thoracic aortic aneurysm and aortic dissection (TAAD). Also called: Thoracic aortic aneurysms and dissections. Identifiers: Orphanet 91387, MedGen C4707243, MONDO:0019625.
Marfan syndrome (MFS). Also called: Marfan syndrome type 1; Marfan syndrome, classic; Marfan's syndrome; FBN1-Related Marfan Syndrome; MARFAN SYNDROME, TYPE I. Identifiers: Orphanet 284963, Orphanet 558, MedGen C0024796, MONDO:0007947, OMIM 154700.

Allele frequency attached by ClinVar (database versions not stated): gnomAD exomes 0.00003 and 0.00001; TOPMed 0.00001; gnomAD 0.00001; ExAC 0.00002; ESP Exome Variant Server 0.00008.
gnomAD v4.1: 9 of 1,613,910 alleles (0.00056%); highest among the groups gnomAD compares: Admixed American, 0.01%; no homozygotes.

Submissions (5):

Labcorp Genetics (formerly Invitae), Labcorp
Classification: Likely benign for Marfan syndrome; Familial thoracic aortic aneurysm and aortic dissection. Last evaluated: 2025-11-18. Review status: criteria provided, single submitter. Criteria: Invitae Variant Classification Sherloc (09022015). Collection method: clinical testing. Allele origin: germline.

Color Diagnostics, LLC DBA Color Health
Classification: Likely benign for Familial thoracic aortic aneurysm and aortic dissection. Last evaluated: 2025-06-03. Review status: criteria provided, single submitter. Criteria: ACMG Guidelines, 2015. Collection method: clinical testing. Allele origin: germline.

All of Us Research Program, National Institutes of Health
Classification: Uncertain significance for Marfan syndrome. Last evaluated: 2024-09-23. Review status: criteria provided, single submitter. Criteria: ACMG Guidelines, 2015. Collection method: clinical testing. Allele origin: germline. Inheritance: Autosomal dominant inheritance. Observed: 2 variant alleles, 2 heterozygotes.
Comment: This study involves interpretation of variants in research participants for the purpose of population health screening. Participant phenotype was not available at the time of variant classification. Additional details can be found in publication PMID: 35346344, PMCID: PMC8962531

GeneDx
Classification: Likely benign. Last evaluated: 2017-11-28. Review status: criteria provided, single submitter. Criteria: GeneDx Variant Classification (06012015). Collection method: clinical testing. Allele origin: germline. Affected: yes.
Comment: This variant is considered likely benign or benign based on one or more of the following criteria: it is a conservative change, it occurs at a poorly conserved position in the protein, it is predicted to be benign by multiple in silico algorithms, and/or has population frequency not consistent with disease.

Ambry Genetics
Classification: Likely benign for Familial thoracic aortic aneurysm and aortic dissection. Last evaluated: 2017-05-12. Review status: criteria provided, single submitter. Criteria: Ambry Variant Classification Scheme 2023. Collection method: clinical testing. Allele origin: germline.

NM_000138.5(FBN1):c.8223C>T (p.Ile2741=)

Gene: FBN1 (fibrillin 1; minus strand). Cytogenetic location: 15q21.1.
Variant type: single nucleotide variant.
Coding change: c.8223C>T on transcript NM_000138.5 (MANE Select); coding-DNA position 8223, C replaced by T.
Protein change: p.Ile2741=; no amino-acid change (isoleucine 2741 retained).
Molecular consequence: synonymous variant.
Genome position (GRCh38, 1-based): chr15:48,412,572, G>A on the plus strand (C>T on the coding strand, the complement: FBN1 is on the minus strand). VCF-style: chr15-48412572-G-A. GRCh37 (hg19) VCF-style: chr15-48704769-G-A.
Identifiers: ClinVar variation 513686 (VCV000513686.16), dbSNP rs150065311, ClinGen allele CA059776.